The following is an entry in ClinVar:

ClinVar aggregate classification (germline): Uncertain significance (1 of 4 stars; one submission).

Submission:

ISCA site 4
Classification: Uncertain significance. Last evaluated: 2011-08-12. Review status: criteria provided, single submitter. Criteria: Kaminsky et al. (Genet Med. 2011). Collection method: clinical testing. Allele origin: maternal. Affected: yes. Observed: 1 variant allele.
Comment: Copy number variation identified through the course of routine clinical cytogenomic testing in postnatal populations. Clinical assertions have been curated as described in Kaminsky et al. 2011.

GRCh38/hg38 22q13.31(chr22:46183346-46791748)x3

Genes: CDPF1 (cysteine rich DPF motif domain containing 1; minus strand), CELSR1 (cadherin EGF LAG seven-pass G-type receptor 1; minus strand), CERK (ceramide kinase; minus strand), GRAMD4 (GRAM domain containing 4; plus strand), GTSE1 (G2 and S-phase expressed 1; plus strand) and 54 more. Cytogenetic location: 22q13.31.
Variant type: copy number gain.
Change: copy number 3 (three copies instead of two) of chr22:46,183,346-46,791,748 (608.4 kb, GRCh38 coordinates, 1-based), cytogenetic band 22q13.31.
Identifiers: ClinVar variation 161059 (VCV000161059.1).